The following is an entry in ClinVar:

NM_004364.5(CEBPA):c.324C>A (p.Tyr108Ter)

Gene: CEBPA (CCAAT enhancer binding protein alpha; minus strand). Cytogenetic location: 19q13.11.
Variant type: single nucleotide variant.
Coding change: c.324C>A on transcript NM_004364.5 (MANE Select); coding-DNA position 324, C replaced by A.
Protein change: p.Tyr108Ter; replaces tyrosine 108 with a stop codon.
Molecular consequence: nonsense. On other transcripts: 5 prime UTR variant (1).
Genome position (GRCh38, 1-based): chr19:33,302,091, G>T on the plus strand (C>A on the coding strand, the complement: CEBPA is on the minus strand). VCF-style: chr19-33302091-G-T. GRCh37 (hg19) VCF-style: chr19-33792997-G-T.
Other names: c.-34C>A (NM_001285829.2); c.429C>A, p.Tyr143Ter (NM_001287424.2); c.282C>A, p.Tyr94Ter (NM_001287435.2); short protein forms Y143*, Y108*, Y94*.
Identifiers: ClinVar variation 2013328 (VCV002013328.4), dbSNP rs1555742221, ClinGen allele CA405275185.

ClinVar aggregate classification (germline): Pathogenic (1 of 4 stars; one submission).

Conditions:
Acute myeloid leukemia (AML). Also called: Acute myeloid leukemia, adult; AML adult; Acute non-lymphocytic leukemia; Acute granulocytic leukemia; Leukemia, acute myeloid, somatic; Leukemia, acute myelogenous, somatic. Identifiers: Orphanet 519, MedGen C0023467, MeSH D015470, MONDO:0018874, OMIM 601626, HP:0004808. Disease mechanism: Constitutively activated FLT3.

Submission:

Labcorp Genetics (formerly Invitae), Labcorp
Classification: Pathogenic for Acute myeloid leukemia. Last evaluated: 2022-07-02. Review status: criteria provided, single submitter. Criteria: Invitae Variant Classification Sherloc (09022015). Collection method: clinical testing. Allele origin: germline.
Comment: For these reasons, this variant has been classified as Pathogenic. This variant disrupts a region of the CEBPA protein in which other variant(s) (p.Arg297Pro) have been determined to be pathogenic (Invitae). This suggests that this is a clinically significant region of the protein, and that variants that disrupt it are likely to be disease-causing. This variant has not been reported in the literature in individuals affected with CEBPA-related conditions. This variant is not present in population databases (gnomAD no frequency). This sequence change creates a premature translational stop signal (p.Tyr108*) in the CEBPA gene. While this is not anticipated to result in nonsense mediated decay, it is expected to disrupt the last 251 amino acid(s) of the CEBPA protein.